The following is an entry in ClinVar:

ClinVar aggregate classification (germline): Likely pathogenic (1 of 4 stars; one submission).

Conditions:
Autosomal recessive limb-girdle muscular dystrophy type 2J (LGMDR10). Also called: Limb-girdle muscular dystrophy, type 2J; MUSCULAR DYSTROPHY, LIMB-GIRDLE, AUTOSOMAL RECESSIVE 10. Identifiers: Orphanet 140922, MedGen C1837342, MONDO:0012127, OMIM 608807.
Dilated cardiomyopathy 1G (CMD1G). Identifiers: Orphanet 154, MedGen C1858763, MONDO:0011400, OMIM 604145.

Submission:

Labcorp Genetics (formerly Invitae), Labcorp
Classification: Likely pathogenic for Dilated cardiomyopathy 1G; Autosomal recessive limb-girdle muscular dystrophy type 2J. Last evaluated: 2024-02-25. Review status: criteria provided, single submitter. Criteria: Invitae Variant Classification Sherloc (09022015). Collection method: clinical testing. Allele origin: germline.
Comment: This sequence change creates a premature translational stop signal (p.Gly27604Argfs*13) in the TTN gene. While this is not anticipated to result in nonsense mediated decay, it is expected to create a truncated TTN protein. This variant is not present in population databases (gnomAD no frequency). This variant has not been reported in the literature in individuals affected with TTN-related conditions. This variant is located in the A band of TTN (PMID: 25589632). Truncating variants in this region are significantly overrepresented in patients affected with dilated cardiomyopathy (PMID: 25589632). Truncating variants in this region have also been reported in individuals affected with autosomal recessive centronuclear myopathy (PMID: 23975875). In summary, the currently available evidence indicates that the variant is pathogenic, but additional data are needed to prove that conclusively. Therefore, this variant has been classified as Likely Pathogenic.

Literature cited by the submitters: PubMed 25589632; PubMed 23975875.

NM_001267550.2(TTN):c.82809dup (p.Gly27604fs)

Genes: TTN-AS1 (TTN antisense RNA 1; plus strand), TTN (titin; minus strand). Cytogenetic location: 2q31.2.
Variant type: Duplication.
Coding change: c.82809dup on transcript NM_001267550.2 (MANE Select); coding-DNA position 82809, one base duplicated (A; older notation c.82809dupA).
Protein change: p.Gly27604fs; shifts the reading frame from glycine 27604.
Molecular consequence: frameshift variant.
Genome position (GRCh38, 1-based): chr2:178,563,323, T duplicated on the plus strand (A on the coding strand, the reverse complement: TTN is on the minus strand); the first of 3 consecutive T bases (chr2:178,563,323-178,563,325); duplicating any one gives the same sequence. VCF-style (leftmost placement, unchanged base first): chr2-178563322-C-CT. GRCh37 (hg19) VCF-style: chr2-179428049-C-CT.
Other names: c.77886dup, p.Gly25963fs (NM_001256850.1); c.55614dup, p.Gly18539fs (NM_003319.4); c.75105dup, p.Gly25036fs (NM_133378.4); c.55989dup, p.Gly18664fs (NM_133432.3); c.56190dup, p.Gly18731fs (NM_133437.4); short protein forms G18539fs, G18664fs, G18731fs, G25036fs, G25963fs, G27604fs.
Identifiers: ClinVar variation 3754948 (VCV003754948.2).
Genomic context (GRCh38, chr2:178,563,322, plus strand): 5'-TTGGTGGAGTGCAGGTTGTCCATTCATCCGCAGCAGCTTCTTTGACCTCTACAACATAGC[C>CT]TTTAACAGGTGCGCCACCATCATAAATTGGCTTACTCCATGCCAGGGAGACAGAAGATCT-3'